The following is an entry in ClinVar:

ClinVar aggregate classification (germline): Pathogenic (1 of 4 stars; one submission).

Conditions:
Autosomal recessive spinocerebellar ataxia 10. Identifiers: Orphanet 284289, MedGen C3150998, MONDO:0013392, OMIM 613728.

Submission:

Myriad Genetics, Inc.
Classification: Pathogenic for Autosomal recessive spinocerebellar ataxia 10. Last evaluated: 2024-07-30. Review status: criteria provided, single submitter. Criteria: Myriad Autosomal Dominant, Autosomal Recessive and X-Linked Classification Criteria (2023). Collection method: clinical testing. Allele origin: unknown.
Comment: NM_018075.3(ANO10):c.1098T>A(Y366*) is expected to be pathogenic in the context of spinocerebellar ataxia, ANO10-related. This variant is predicted to lead to an abnormal or absent protein product due to the creation of a premature termination codon in ANO10, a gene where loss-of-function variants are known to be pathogenic. Please note: this variant was assessed in the context of healthy population screening.

NM_018075.5(ANO10):c.1098T>A (p.Tyr366Ter)

Gene: ANO10 (anoctamin 10; minus strand). Cytogenetic location: 3p22.1.
Variant type: single nucleotide variant.
Coding change: c.1098T>A on transcript NM_018075.5 (MANE Select); coding-DNA position 1098, T replaced by A.
Protein change: p.Tyr366Ter; replaces tyrosine 366 with a stop codon.
Molecular consequence: nonsense. On other transcripts: intron variant (1).
Genome position (GRCh38, 1-based): chr3:43,576,756, A>T on the plus strand (T>A on the coding strand, the complement: ANO10 is on the minus strand). VCF-style: chr3-43576756-A-T. GRCh37 (hg19) VCF-style: chr3-43618248-A-T.
Other names: c.1098T>A, p.Tyr366Ter (NM_001204831.3, NM_001346463.2, NM_001346464.2 and 3 more transcripts); c.900T>A, p.Tyr300Ter (NM_001204832.3, NM_001346466.2, NM_001346469.2); c.765T>A, p.Tyr255Ter (NM_001204833.3); c.593-1892T>A (NM_001204834.3); short protein forms Y255*, Y300*, Y366*.
Identifiers: ClinVar variation 5013388 (VCV005013388.1).